The following is an entry in ClinVar:

NM_024642.5(GALNT12):c.1556A>G (p.His519Arg)

Gene: GALNT12 (polypeptide N-acetylgalactosaminyltransferase 12; plus strand). Cytogenetic location: 9q22.33.
Variant type: single nucleotide variant.
Coding change: c.1556A>G on transcript NM_024642.5 (MANE Select); coding-DNA position 1556, A replaced by G.
Protein change: p.His519Arg; replaces histidine 519 with arginine.
Molecular consequence: missense variant.
Genome position (GRCh38, 1-based): chr9:98,846,074, A>G. VCF-style: chr9-98846074-A-G. GRCh37 (hg19) VCF-style: chr9-101608356-A-G.
Other names: short protein forms H519R.
Identifiers: ClinVar variation 4261508 (VCV004261508.2).

ClinVar aggregate classification (germline): Uncertain significance. Review status: criteria provided, multiple submitters, no conflicts (2 of 4 stars). 2 submissions from 2 submitters: Uncertain significance (2). Last evaluated 2025-08-31.

Submissions (2):

Ambry Genetics
Classification: Uncertain significance. Last evaluated: 2025-08-31. Review status: criteria provided, single submitter. Criteria: Ambry Variant Classification Scheme 2023. Collection method: clinical testing. Allele origin: germline.
Comment: The p.H519R variant (also known as c.1556A>G), located in coding exon 9 of the GALNT12 gene, results from an A to G substitution at nucleotide position 1556. The histidine at codon 519 is replaced by arginine, an amino acid with highly similar properties. This amino acid position is conserved. In addition, this alteration is predicted to be tolerated by in silico analysis. Based on the available evidence, the clinical significance of this variant remains unclear.

Labcorp Genetics (formerly Invitae), Labcorp
Classification: Uncertain significance. Last evaluated: 2025-05-18. Review status: criteria provided, single submitter. Criteria: Invitae Variant Classification Sherloc (09022015). Collection method: clinical testing. Allele origin: germline.
Comment: This sequence change replaces histidine, which is basic and polar, with arginine, which is basic and polar, at codon 519 of the GALNT12 protein (p.His519Arg). This variant is not present in population databases (gnomAD no frequency). This variant has not been reported in the literature in individuals affected with GALNT12-related conditions. Invitae Evidence Modeling of protein sequence and biophysical properties (such as structural, functional, and spatial information, amino acid conservation, physicochemical variation, residue mobility, and thermodynamic stability) indicates that this missense variant is not expected to disrupt GALNT12 protein function with a negative predictive value of 80%. In summary, the available evidence is currently insufficient to determine the role of this variant in disease. Therefore, it has been classified as a Variant of Uncertain Significance.